The following is an entry in ClinVar:

NM_001164508.2(NEB):c.3964G>T (p.Ala1322Ser)

Gene: NEB (nebulin; minus strand). Cytogenetic location: 2q23.3.
Variant type: single nucleotide variant.
Coding change: c.3964G>T on transcript NM_001164508.2 (MANE Select); coding-DNA position 3964, G replaced by T.
Protein change: p.Ala1322Ser; replaces alanine 1322 with serine.
Molecular consequence: missense variant.
Genome position (GRCh38, 1-based): chr2:151,674,500, C>A on the plus strand (G>T on the coding strand, the complement: NEB is on the minus strand). VCF-style: chr2-151674500-C-A. GRCh37 (hg19) VCF-style: chr2-152531014-C-A.
Other names: c.3964G>T, p.Ala1322Ser (NM_001164507.2, NM_001271208.2, NM_004543.5); short protein forms A1322S.
Identifiers: ClinVar variation 573901 (VCV000573901.16), dbSNP rs376611641, ClinGen allele CA1910778.

ClinVar aggregate classification (germline): Conflicting classifications of pathogenicity. Review status: criteria provided, conflicting classifications (1 of 4 stars). 4 submissions from 4 submitters: Uncertain significance (1); Benign (1); Likely benign (1). 1 of the submissions does not count toward it. Last evaluated 2026-02-01.

Conditions:
Nemaline myopathy 2 (NEM2). Also called: Nemaline myopathy 2, autosomal recessive. Identifiers: MedGen C1850569, MONDO:0009725, OMIM 256030.

Allele frequency attached by ClinVar (database versions not stated): gnomAD exomes 0.00001 and 0.00003; ExAC 0.00003; ESP Exome Variant Server 0.00008; gnomAD 0.00016 and 0.00018; TOPMed 0.00016.
gnomAD v4.1: 48 of 1,613,826 alleles (0.003%); highest among the groups gnomAD compares: African/African-American, 0.053%; no homozygotes.

Submissions (4):

CeGaT Center for Human Genetics Tuebingen
Classification: Likely benign. Last evaluated: 2026-02-01. Review status: criteria provided, single submitter. Criteria: CeGaT Center For Human Genetics Tuebingen Variant Classification Criteria Version 2. Collection method: clinical testing. Allele origin: germline. Affected: yes. Observed: 1 variant allele.
Comment: NEB: BP4

Labcorp Genetics (formerly Invitae), Labcorp
Classification: Benign for Nemaline myopathy 2. Last evaluated: 2026-01-14. Review status: criteria provided, single submitter. Criteria: Invitae Variant Classification Sherloc (09022015). Collection method: clinical testing. Allele origin: germline.

Revvity Omics, Revvity
Classification: Uncertain significance. Last evaluated: 2023-06-27. Review status: criteria provided, single submitter. Criteria: ACMG Guidelines, 2015. Collection method: clinical testing. Allele origin: germline.

Natera, Inc.
Classification: Uncertain significance for Nemaline myopathy type 2. Last evaluated: 2019-11-11. Review status: no assertion criteria provided. Collection method: clinical testing. Allele origin: germline. Not counted in ClinVar's aggregate classification.